The following is an entry in ClinVar:

NM_001352514.2(HLCS):c.27C>T (p.Tyr9=)

Genes: HLCS (holocarboxylase synthetase; minus strand), HLCS-AS1 (HLCS antisense RNA 1; plus strand), LOC130066637 (ATAC-STARR-seq lymphoblastoid silent region 13291; plus strand). Cytogenetic location: 21q22.13.
Variant type: single nucleotide variant.
Coding change: c.27C>T on transcript NM_001352514.2 (MANE Select); coding-DNA position 27, C replaced by T.
Protein change: p.Tyr9=; no amino-acid change (tyrosine 9 retained).
Molecular consequence: synonymous variant. On other transcripts: 5 prime UTR variant (1), intron variant (5).
Genome position (GRCh38, 1-based): chr21:36,966,612, G>A on the plus strand (C>T on the coding strand, the complement: HLCS is on the minus strand). VCF-style: chr21-36966612-G-A. GRCh37 (hg19) VCF-style: chr21-38338912-G-A.
Other names: c.-1370C>T (NM_001242784.3); c.-246-4442C>T (NM_001352517.1, NM_001352515.2, NM_001352516.2); c.-392-4442C>T (NM_001242785.2, NM_000411.8).
Identifiers: ClinVar variation 3041218 (VCV003041218.2), dbSNP rs1159792714, ClinGen allele CA637785158.

ClinVar aggregate classification (germline): Likely benign (0 of 4 stars; one submission).

Conditions:
HLCS-related disorder. Also called: HLCS-related condition.

Allele frequency attached by ClinVar (database versions not stated): TOPMed 0.00004; gnomAD 0.00007; 1000 Genomes Project 30x 0.00016.
gnomAD v4.1: 39 of 991,172 alleles (0.0039%); highest among the groups gnomAD compares: South Asian, 0.018%; no homozygotes.

Submission:

PreventionGenetics, part of Exact Sciences
Classification: Likely benign for HLCS-related condition. Last evaluated: 2019-05-16. Review status: no assertion criteria provided. Collection method: clinical testing. Allele origin: germline.
Comment: This variant is classified as likely benign based on ACMG/AMP sequence variant interpretation guidelines (Richards et al. 2015 PMID: 25741868, with internal and published modifications).